The following is an entry in ClinVar:

ClinVar aggregate classification (germline): Conflicting classifications of pathogenicity. Review status: criteria provided, conflicting classifications (1 of 4 stars). 4 submissions from 4 submitters: Uncertain significance (2); Likely benign (2). Last evaluated 2026-01-11.

Conditions:
Inborn genetic diseases. Identifiers: MedGen C0950123, MeSH D030342.
Familial focal epilepsy with variable foci (FPEVF). Identifiers: Orphanet 98820, MedGen C1858477, MONDO:0020310.

Allele frequency attached by ClinVar (database versions not stated): TOPMed 0.00003; ExAC 0.00004; gnomAD 0.00004 and 0.00005; gnomAD exomes 0.00004 and 0.00007.
gnomAD v4.1: 65 of 1,607,870 alleles (0.004%); highest among the groups gnomAD compares: Middle Eastern, 0.033%; no homozygotes.

Submissions (4):

Labcorp Genetics (formerly Invitae), Labcorp
Classification: Uncertain significance for Familial focal epilepsy with variable foci. Last evaluated: 2026-01-11. Review status: criteria provided, single submitter. Criteria: Invitae Variant Classification Sherloc (09022015). Collection method: clinical testing. Allele origin: germline.
Comment: This sequence change replaces alanine, which is neutral and non-polar, with threonine, which is neutral and polar, at codon 1395 of the DEPDC5 protein (p.Ala1395Thr). This variant is present in population databases (rs764462476, gnomAD 0.02%). This missense change has been observed in individual(s) with focal cortical dysplasia (PMID: 37006128). ClinVar contains an entry for this variant (Variation ID: 565734). Experimental studies and prediction algorithms are not available or were not evaluated, and the functional significance of this variant is currently unknown. In summary, the available evidence is currently insufficient to determine the role of this variant in disease. Therefore, it has been classified as a Variant of Uncertain Significance.

Revvity Omics, Revvity
Classification: Uncertain significance. Last evaluated: 2023-11-06. Review status: criteria provided, single submitter. Criteria: ACMG Guidelines, 2015. Collection method: clinical testing. Allele origin: germline.

Ambry Genetics
Classification: Likely benign for Inborn genetic diseases. Last evaluated: 2022-11-08. Review status: criteria provided, single submitter. Criteria: Ambry Variant Classification Scheme 2023. Collection method: clinical testing. Allele origin: germline.

GeneDx
Classification: Likely benign. Last evaluated: 2020-02-26. Review status: criteria provided, single submitter. Criteria: GeneDx Variant Classification Process June 2021. Collection method: clinical testing. Allele origin: germline. Affected: yes.

Literature cited by the submitters: PubMed 37006128 (cited by Labcorp Genetics (formerly Invitae), Labcorp).

NM_001242896.3(DEPDC5):c.4183G>A (p.Ala1395Thr)

Gene: DEPDC5 (DEP domain containing 5, GATOR1 subcomplex subunit; plus strand). Cytogenetic location: 22q12.3.
Variant type: single nucleotide variant.
Coding change: c.4183G>A on transcript NM_001242896.3 (MANE Select); coding-DNA position 4183, G replaced by A.
Protein change: p.Ala1395Thr; replaces alanine 1395 with threonine.
Molecular consequence: missense variant. On other transcripts: non-coding transcript variant (5).
Genome position (GRCh38, 1-based): chr22:31,893,731, G>A. VCF-style: chr22-31893731-G-A. GRCh37 (hg19) VCF-style: chr22-32289717-G-A.
Other names: c.4156G>A, p.Ala1386Thr (NM_001136029.4); c.3883G>A, p.Ala1295Thr (NM_001242897.2); c.4117G>A, p.Ala1373Thr (NM_001363852.2, NM_001364320.2); c.3949G>A, p.Ala1317Thr (NM_001363854.2, NM_001364319.2); c.4183G>A, p.Ala1395Thr (NM_001364318.2); c.4099G>A, p.Ala1367Thr (NM_001369901.1, NM_001369902.1); c.4090G>A, p.Ala1364Thr (NM_001369903.1, NM_014662.6); short protein forms A1395T, A1295T, A1317T, A1367T, A1364T, A1373T, A1386T.
Identifiers: ClinVar variation 565734 (VCV000565734.16), dbSNP rs764462476, ClinGen allele CA10197184.